The following is an entry in ClinVar:

NM_001278716.2(FBXL4):c.817G>C (p.Glu273Gln)

Gene: FBXL4 (F-box and leucine rich repeat protein 4; minus strand). Cytogenetic location: 6q16.2.
Variant type: single nucleotide variant.
Coding change: c.817G>C on transcript NM_001278716.2 (MANE Select); coding-DNA position 817, G replaced by C.
Protein change: p.Glu273Gln; replaces glutamic acid 273 with glutamine.
Molecular consequence: missense variant.
Genome position (GRCh38, 1-based): chr6:98,917,415, C>G on the plus strand (G>C on the coding strand, the complement: FBXL4 is on the minus strand). VCF-style: chr6-98917415-C-G. GRCh37 (hg19) VCF-style: chr6-99365291-C-G.
Other names: c.817G>C, p.Glu273Gln (NM_012160.5); short protein forms E273Q.
Identifiers: ClinVar variation 1938100 (VCV001938100.3), dbSNP rs1772401603, ClinGen allele CA365082897.

ClinVar aggregate classification (germline): Uncertain significance (1 of 4 stars; one submission).

Submission:

Labcorp Genetics (formerly Invitae), Labcorp
Classification: Uncertain significance. Last evaluated: 2024-02-24. Review status: criteria provided, single submitter. Criteria: Invitae Variant Classification Sherloc (09022015). Collection method: clinical testing. Allele origin: germline.
Comment: This sequence change replaces glutamic acid, which is acidic and polar, with glutamine, which is neutral and polar, at codon 273 of the FBXL4 protein (p.Glu273Gln). This variant is not present in population databases (gnomAD no frequency). This variant has not been reported in the literature in individuals affected with FBXL4-related conditions. ClinVar contains an entry for this variant (Variation ID: 1938100). Advanced modeling of protein sequence and biophysical properties (such as structural, functional, and spatial information, amino acid conservation, physicochemical variation, residue mobility, and thermodynamic stability) performed at Invitae indicates that this missense variant is not expected to disrupt FBXL4 protein function with a negative predictive value of 80%. In summary, the available evidence is currently insufficient to determine the role of this variant in disease. Therefore, it has been classified as a Variant of Uncertain Significance.